The following is an entry in ClinVar:

ClinVar aggregate classification (germline): Uncertain significance. Review status: criteria provided, single submitter (1 of 4 stars). 2 submissions from 2 submitters: Uncertain significance (1). 1 of the submissions does not count toward it. Last evaluated 2022-05-25.

Conditions:
Metaphyseal chondrodysplasia, McKusick type (CHH). Also called: Cartilage-hair hypoplasia; Cartilage-Hair Hypoplasia (CHH). Identifiers: Orphanet 175, MedGen C0220748, MONDO:0009595, OMIM 250250.
Anauxetic dysplasia. Identifiers: Orphanet 93347, MedGen C1846796, MONDO:0011773.

Allele frequency attached by ClinVar (database versions not stated): gnomAD exomes 0.00001; ExAC 0.00012.

Submissions (2):

Labcorp Genetics (formerly Invitae), Labcorp
Classification: Uncertain significance for Anauxetic dysplasia. Last evaluated: 2022-05-25. Review status: criteria provided, single submitter. Criteria: Invitae Variant Classification Sherloc (09022015). Collection method: clinical testing. Allele origin: germline.
Comment: This variant occurs in the RMRP gene, which encodes an RNA molecule that does not result in a protein product. This variant is present in population databases (rs780414839, gnomAD 0.002%). This variant has not been reported in the literature in individuals affected with RMRP-related conditions. ClinVar contains an entry for this variant (Variation ID: 991665). Experimental studies and prediction algorithms are not available or were not evaluated, and the functional significance of this variant is currently unknown. In summary, the available evidence is currently insufficient to determine the role of this variant in disease. Therefore, it has been classified as a Variant of Uncertain Significance.

Natera, Inc.
Classification: Uncertain significance for Cartilage-hair hypoplasia. Last evaluated: 2020-08-14. Review status: no assertion criteria provided. Collection method: clinical testing. Allele origin: germline. Not counted in ClinVar's aggregate classification.

NC_000009.12:g.35658034C>T

Gene: RMRP (RNA component of mitochondrial RNA processing endoribonuclease; minus strand). Cytogenetic location: 9p13.3.
Variant type: single nucleotide variant.
Genome position: GRCh38 VCF-style: chr9-35658034-C-T. GRCh37 (hg19) VCF-style: chr9-35658031-C-T.
Identifiers: ClinVar variation 991665 (VCV000991665.3), dbSNP rs780414839, ClinGen allele CA5045889.
Genomic context (GRCh38, chr9:35,658,034, plus strand): 5'-GAGTCCTCAGTGTGTAGCCTAGGATACAGGCCTTCAGCACGAACCACGTCCTCAGCTTCA[C>T]AGAGTAGTATTTTATAGCCCTAAAGAAATTGTGTTTTATGATTAGGGTGAGAAAGTTGGT-3'